The following is an entry in ClinVar:

NM_198999.3(SLC26A5):c.949del (p.Val317fs)

Gene: SLC26A5 (solute carrier family 26 member 5; minus strand). Cytogenetic location: 7q22.1.
Variant type: Deletion.
Coding change: c.949del on transcript NM_198999.3 (MANE Select); coding-DNA position 949, one base deleted (G; older notation c.949delG).
Protein change: p.Val317fs; shifts the reading frame from valine 317.
Molecular consequence: frameshift variant. On other transcripts: non-coding transcript variant (5).
Genome position (GRCh38, 1-based): chr7:103,397,954, C deleted on the plus strand (G on the coding strand, the reverse complement: SLC26A5 is on the minus strand). VCF-style (leftmost placement, unchanged base first): chr7-103397953-AC-A. GRCh37 (hg19) VCF-style: chr7-103038400-AC-A.
Other names: c.949del, p.Val317fs (NM_001167962.2, NM_001321787.2, NM_206883.3 and 2 more transcripts); c.949delG (NM_198999.3); short protein forms V317fs.
Identifiers: ClinVar variation 1236171 (VCV001236171.4), dbSNP rs770663172, ClinGen allele CA4419653.

ClinVar aggregate classification (germline): Pathogenic. Review status: criteria provided, multiple submitters, no conflicts (2 of 4 stars). 2 submissions from 2 submitters: Pathogenic (2). Last evaluated 2023-07-25.

Conditions:
Autosomal recessive nonsyndromic hearing loss 61. Identifiers: Orphanet 90636, MedGen C3151230, MONDO:0013471, OMIM 613865.

Allele frequency attached by ClinVar (database versions not stated): gnomAD exomes below 0.00001; ExAC 0.00001; gnomAD 0.00001.

Submissions (2):

Labcorp Genetics (formerly Invitae), Labcorp
Classification: Pathogenic. Last evaluated: 2023-07-25. Review status: criteria provided, single submitter. Criteria: Invitae Variant Classification Sherloc (09022015). Collection method: clinical testing. Allele origin: germline.
Comment: For these reasons, this variant has been classified as Pathogenic. Algorithms developed to predict the effect of sequence changes on RNA splicing suggest that this variant may disrupt the consensus splice site. ClinVar contains an entry for this variant (Variation ID: 1236171). This variant has not been reported in the literature in individuals affected with SLC26A5-related conditions. This variant is present in population databases (rs770663172, gnomAD 0.003%). This sequence change creates a premature translational stop signal (p.Val317Serfs*7) in the SLC26A5 gene. It is expected to result in an absent or disrupted protein product. Loss-of-function variants in SLC26A5 are known to be pathogenic (PMID: 12239568, 24164807).

Suma Genomics
Classification: Pathogenic for Autosomal recessive nonsyndromic hearing loss 61. Review status: criteria provided, single submitter. Criteria: ACMG Guidelines, 2015. Collection method: clinical testing. Allele origin: unknown. Inheritance: Autosomal recessive inheritance. Affected: yes.

Literature cited by the submitters: PubMed 12239568 (cited by Labcorp Genetics (formerly Invitae), Labcorp); PubMed 24164807 (cited by Labcorp Genetics (formerly Invitae), Labcorp).